The following is an entry in ClinVar:

ClinVar aggregate classification (germline): Pathogenic/Likely pathogenic. Review status: criteria provided, multiple submitters, no conflicts (2 of 4 stars). 3 submissions from 3 submitters: Pathogenic (2); Likely pathogenic (1). Last evaluated 2025-08-01.

Conditions:
Neuropathy, hereditary sensory, type 2C. Also called: Hereditary sensory and autonomic neuropathy type IIC; KIF1A-Related HSAN2 (HSAN2C). Identifiers: Orphanet 970, MedGen C3280168, MONDO:0013634, OMIM 614213.
Intellectual disability, autosomal dominant 9 (NESCAVS). Also called: KIF1A-Related Neurodevelopmental Disorder; NESCAV SYNDROME. Identifiers: Orphanet 662367, MedGen C5393830, MONDO:0013656, OMIM 614255.
Hereditary spastic paraplegia 30. Identifiers: Orphanet 101010, MedGen C5235139, MONDO:0012476.

Submissions (3):

CeGaT Center for Human Genetics Tuebingen
Classification: Likely pathogenic. Last evaluated: 2025-08-01. Review status: criteria provided, single submitter. Criteria: CeGaT Center For Human Genetics Tuebingen Variant Classification Criteria Version 2. Collection method: clinical testing. Allele origin: germline. Affected: yes. Observed: 2 variant alleles.
Comment: KIF1A: PVS1:Strong, PM2, PS4:Supporting

Women's Health and Genetics/Laboratory Corporation of America, LabCorp
Classification: Pathogenic for Hereditary spastic paraplegia 30. Last evaluated: 2025-07-03. Review status: criteria provided, single submitter. Criteria: LabCorp Variant Classification Summary - May 2015. Collection method: clinical testing. Allele origin: germline.
Comment: Variant summary: KIF1A c.2323C>T (p.Arg775X) results in a premature termination codon, predicted to cause a truncation of the encoded protein or absence of the protein due to nonsense mediated decay, which are commonly known mechanisms for disease. The variant was absent in 234676 control chromosomes. To our knowledge, no occurrence of c.2323C>T in individuals affected with Hereditary Spastic Paraplegia 30 Autosomal Dominant and no experimental evidence demonstrating its impact on protein function have been reported. ClinVar contains an entry for this variant (Variation ID: 665003). Based on the evidence outlined above, the variant was classified as pathogenic.

Labcorp Genetics (formerly Invitae), Labcorp
Classification: Pathogenic for Hereditary spastic paraplegia 30; Neuropathy, hereditary sensory, type 2C; Intellectual disability, autosomal dominant 9. Last evaluated: 2025-06-27. Review status: criteria provided, single submitter. Criteria: Invitae Variant Classification Sherloc (09022015). Collection method: clinical testing. Allele origin: germline.
Comment: This sequence change creates a premature translational stop signal (p.Arg775*) in the KIF1A gene. It is expected to result in an absent or disrupted protein product. Loss-of-function variants in KIF1A are known to be pathogenic (PMID: 21820098). This variant is not present in population databases (gnomAD no frequency). This variant has not been reported in the literature in individuals affected with KIF1A-related conditions. ClinVar contains an entry for this variant (Variation ID: 665003). For these reasons, this variant has been classified as Pathogenic.

Literature cited by the submitters: PubMed 21820098 (cited by Labcorp Genetics (formerly Invitae), Labcorp).

NM_001244008.2(KIF1A):c.2350C>T (p.Arg784Ter)

Gene: KIF1A (kinesin family member 1A; minus strand). Cytogenetic location: 2q37.3.
Variant type: single nucleotide variant.
Coding change: c.2350C>T on transcript NM_001244008.2 (MANE Select); coding-DNA position 2350, C replaced by T.
Protein change: p.Arg784Ter; replaces arginine 784 with a stop codon.
Molecular consequence: nonsense.
Genome position (GRCh38, 1-based): chr2:240,760,759, G>A on the plus strand (C>T on the coding strand, the complement: KIF1A is on the minus strand). VCF-style: chr2-240760759-G-A. GRCh37 (hg19) VCF-style: chr2-241700176-G-A.
Other names: c.2350C>T, p.Arg784Ter (NM_001320705.2, NM_001330289.2, NM_001379638.1); c.2425C>T, p.Arg809Ter (NM_001330290.2, NM_001379631.1, NM_001379634.1 and 2 more transcripts); c.2323C>T, p.Arg775Ter (NM_001379632.1, NM_001379633.1, NM_001379636.1 and 10 more transcripts); c.2398C>T, p.Arg800Ter (NM_001379637.1, NM_001379648.1); short protein forms R809*, R784*, R775*, R800*.
Identifiers: ClinVar variation 665003 (VCV000665003.49), dbSNP rs1327297188, ClinGen allele CA351324873.